The following is an entry in ClinVar:

NM_001144967.3(NEDD4L):c.2677G>A (p.Glu893Lys)

Gene: NEDD4L (NEDD4 like E3 ubiquitin protein ligase; plus strand). Cytogenetic location: 18q21.31.
Variant type: single nucleotide variant.
Coding change: c.2677G>A on transcript NM_001144967.3 (MANE Select); coding-DNA position 2677, G replaced by A.
Protein change: p.Glu893Lys; replaces glutamic acid 893 with lysine.
Molecular consequence: missense variant.
Genome position (GRCh38, 1-based): chr18:58,390,667, G>A. VCF-style: chr18-58390667-G-A. GRCh37 (hg19) VCF-style: chr18-56057899-G-A.
Other names: c.2314G>A, p.Glu772Lys (NM_001144964.1, NM_001144965.2, NM_001144966.3); c.2653G>A, p.Glu885Lys (NM_001144968.2); c.2593G>A, p.Glu865Lys (NM_001144969.2); c.2254G>A, p.Glu752Lys (NM_001144970.3, NM_001144971.2); c.2485G>A, p.Glu829Lys (NM_001243960.2); c.2617G>A, p.Glu873Lys (NM_015277.6); short protein forms E893K, E873K, E752K, E865K, E772K, E829K, E885K.
Identifiers: ClinVar variation 225191 (VCV000225191.20), dbSNP rs879255597, ClinGen allele CA10576011.

ClinVar aggregate classification (germline): Pathogenic/Likely pathogenic. Review status: criteria provided, multiple submitters, no conflicts (2 of 4 stars). 10 submissions from 10 submitters: Pathogenic (6); Likely pathogenic (1). 3 of the submissions do not count toward it. Last evaluated 2025-11-21.

Conditions:
Chromosome 5Q14.3 deletion syndrome, distal. Also called: PERIVENTRICULAR NODULAR HETEROTOPIA 5. Identifiers: Orphanet 2149, MedGen C2752071, MONDO:0013031, OMIM 612881.
Periventricular nodular heterotopia 7 (PVNH7). Identifiers: MedGen C4310669, MONDO:0014966, OMIM 617201.
Periventricular nodular heterotopia with syndactyly, cleft palate and developmental delay.

Submissions (10):

3billion
Classification: Pathogenic for Periventricular nodular heterotopia 7. Last evaluated: 2025-11-21. Review status: criteria provided, single submitter. Criteria: ACMG Guidelines, 2015. Collection method: clinical testing. Allele origin: germline. Affected: yes.
Comment: The variant is not observed in the gnomAD v4.1.0 dataset. Predicted Consequence/Location: Missense variant. Missense changes are a common disease-causing mechanism. Functional studies provide moderate evidence of the variant having a damaging effect on the gene or gene product (PMID: 27694961). In silico tool predictions suggest damaging effect of the variant on gene or gene product [REVEL: 0.60 (>=0.6, sensitivity 0.68 and specificity 0.92)]. The same nucleotide change resulting in the same amino acid change has been previously reported as pathogenic/likely pathogenic with strong evidence (ClinVar ID: VCV000225191 /PMID: 27694961 /3billion dataset). Therefore, this variant is classified as Pathogenic according to the recommendation of ACMG/AMP guideline.

Labcorp Genetics (formerly Invitae), Labcorp
Classification: Pathogenic. Last evaluated: 2024-10-17. Review status: criteria provided, single submitter. Criteria: Invitae Variant Classification Sherloc (09022015). Collection method: clinical testing. Allele origin: germline.
Comment: This sequence change replaces glutamic acid, which is acidic and polar, with lysine, which is basic and polar, at codon 873 of the NEDD4L protein (p.Glu873Lys). This variant is not present in population databases (gnomAD no frequency). This missense change has been observed in individual(s) with NEDD4L-related conditions (PMID: 27694961, 28515470; internal data). In at least one individual the variant was observed to be de novo. This variant is also known as c.2677G>A p.Glu893Lys. ClinVar contains an entry for this variant (Variation ID: 225191). Invitae Evidence Modeling of protein sequence and biophysical properties (such as structural, functional, and spatial information, amino acid conservation, physicochemical variation, residue mobility, and thermodynamic stability) indicates that this missense variant is expected to disrupt NEDD4L protein function with a positive predictive value of 80%. Experimental studies have shown that this missense change affects NEDD4L function (PMID: 27694961). For these reasons, this variant has been classified as Pathogenic.

Genomic Research Center, Shahid Beheshti University of Medical Sciences
Classification: Pathogenic for Periventricular nodular heterotopia 7. Last evaluated: 2024-09-01. Review status: criteria provided, single submitter. Criteria: ACMG Guidelines, 2015. Collection method: clinical testing. Allele origin: unknown. Affected: yes. Observed: 1 variant allele.

GeneDx
Classification: Pathogenic. Last evaluated: 2024-01-23. Review status: criteria provided, single submitter. Criteria: GeneDx Variant Classification Process June 2021. Collection method: clinical testing. Allele origin: germline. Affected: yes.
Comment: Published functional studies demonstrate a damaging effect: decrease in protein stability and increased Akt phosphorylation (PMID: 27694961); Not observed at significant frequency in large population cohorts (gnomAD); In silico analysis supports that this missense variant has a deleterious effect on protein structure/function; Also known as c.2677G>A p.(Glu893Lys); This variant is associated with the following publications: (PMID: 31028281, 28515470, 27694961, 34087865, 35599849, 36934385)

Institute of Human Genetics, University of Leipzig Medical Center
Classification: Likely pathogenic for Chromosome 5Q14.3 deletion syndrome, distal. Last evaluated: 2024-01-02. Review status: criteria provided, single submitter. Criteria: ACMG Guidelines, 2015. Collection method: clinical testing. Allele origin: de novo. Inheritance: Autosomal dominant inheritance. Affected: yes.
Comment: Criteria applied: PS2,PS4_MOD,PM2_SUP,PP2,PP3

Baylor Genetics
Classification: Pathogenic for Periventricular nodular heterotopia 7. Last evaluated: 2020-06-05. Review status: criteria provided, single submitter. Criteria: ACMG Guidelines, 2015. Collection method: clinical testing. Allele origin: de novo. Affected: yes.
Comment: This variant was determined to be pathogenic according to ACMG Guidelines, 2015 [PMID:25741868].

Department Of Human Genetics, Institute Of Clinical And Translational Research, Biomedical Research Center, Slovak Academy Of Sciences
Classification: Pathogenic for Periventricular nodular heterotopia 7. Review status: criteria provided, single submitter. Criteria: ACMG Guidelines, 2015. Collection method: research. Allele origin: de novo. Inheritance: Autosomal dominant inheritance. Affected: yes. Observed: 1 variant allele.
Comment: The first report of this variant was in PMID: 27694961 and PMID: 28515470.

OMIM
Classification: Pathogenic for PERIVENTRICULAR NODULAR HETEROTOPIA 7. Last evaluated: 2025-07-28. Review status: no assertion criteria provided. Collection method: literature only. Allele origin: unknown. Not counted in ClinVar's aggregate classification.

Molecular Genetics Laboratory, BC Children's and BC Women's Hospitals
Classification: Pathogenic for Periventricular nodular heterotopia 7. Last evaluated: 2018-04-11. Review status: no assertion criteria provided. Criteria: ACMG Guidelines, 2015. Collection method: clinical testing. Allele origin: de novo. Affected: yes. Not counted in ClinVar's aggregate classification.

Chelly Lab, Institut de Génétique et de Biologie Moléculaire et Cellulaire, Strasbourg University - CNRS UMR 7104 - Inserm U 964
Classification: Pathogenic for Periventricular nodular heterotopia with syndactyly, cleft palate and developmental delay. Last evaluated: 2016-04-03. Review status: no assertion criteria provided. Collection method: research. Allele origin: germline, de novo. Affected: yes. Observed: 4 variant alleles. Not counted in ClinVar's aggregate classification.

Literature cited by the submitters: PubMed 27694961 (cited by 4 submitters); PubMed 28515470 (cited by 3 submitters).